The following is an entry in ClinVar:

NM_182914.3(SYNE2):c.18091A>G (p.Met6031Val)

Gene: SYNE2 (spectrin repeat containing nuclear envelope protein 2; plus strand). Cytogenetic location: 14q23.2.
Variant type: single nucleotide variant.
Coding change: c.18091A>G on transcript NM_182914.3 (MANE Select); coding-DNA position 18091, A replaced by G.
Protein change: p.Met6031Val; replaces methionine 6031 with valine.
Molecular consequence: missense variant.
Genome position (GRCh38, 1-based): chr14:64,202,853, A>G. VCF-style: chr14-64202853-A-G. GRCh37 (hg19) VCF-style: chr14-64669571-A-G.
Other names: c.18091A>G, p.Met6031Val (NM_015180.6); short protein forms M6031V.
Identifiers: ClinVar variation 949545 (VCV000949545.9), dbSNP rs2098581525, ClinGen allele CA389945011.
Genomic context (GRCh38, chr14:64,202,853, plus strand): 5'-ATGTGTAGGGTGAAGAAGCTGAAGGAGACCTTTGCTTTTATTCAGCAGTTGGACAAAAAC[A>G]TGAGCAACCTTCGCACCTGGTTGGCTCGAATTGAGTCTGAGCTTTCCAAGCCTGTTGTTT-3'
Protein context (NP_878918.2, residues 6021-6041): FAFIQQLDKN[Met6031Val]SNLRTWLARI

ClinVar aggregate classification (germline): Uncertain significance (1 of 4 stars; one submission).

Conditions:
Emery-Dreifuss muscular dystrophy 5, autosomal dominant (EDMD5). Also called: EMERY-DREIFUSS MUSCULAR DYSTROPHY 5. Identifiers: Orphanet 261, MedGen C2751805, MONDO:0013072, OMIM 612999.

Allele frequency attached by ClinVar (database versions not stated): gnomAD exomes below 0.00001.
gnomAD v4.1: 3 of 1,614,214 alleles (0.00019%); highest among the groups gnomAD compares: South Asian, 0.0022%; no homozygotes.

Submission:

Labcorp Genetics (formerly Invitae), Labcorp
Classification: Uncertain significance for Emery-Dreifuss muscular dystrophy 5, autosomal dominant. Last evaluated: 2019-06-20. Review status: criteria provided, single submitter. Criteria: Invitae Variant Classification Sherloc (09022015). Collection method: clinical testing. Allele origin: germline.
Comment: In summary, the available evidence is currently insufficient to determine the role of this variant in disease. Therefore, it has been classified as a Variant of Uncertain Significance. Algorithms developed to predict the effect of sequence changes on RNA splicing suggest that this variant may create or strengthen a splice site, but this prediction has not been confirmed by published transcriptional studies. Algorithms developed to predict the effect of missense changes on protein structure and function are either unavailable or do not agree on the potential impact of this missense change (SIFT: "Tolerated"; PolyPhen-2: "Probably Damaging"; Align-GVGD: "Class C0"). This variant has not been reported in the literature in individuals with SYNE2-related conditions. This variant is not present in population databases (ExAC no frequency). This sequence change replaces methionine with valine at codon 6031 of the SYNE2 protein (p.Met6031Val). The methionine residue is moderately conserved and there is a small physicochemical difference between methionine and valine.